The following is an entry in ClinVar:

ClinVar aggregate classification (germline): Uncertain significance. Review status: criteria provided, multiple submitters, no conflicts (2 of 4 stars). 3 submissions from 3 submitters: Uncertain significance (3). Last evaluated 2025-07-09.

Conditions:
Cardiovascular phenotype. Identifiers: MedGen CN230736.
Hypertrophic cardiomyopathy. Also called: HYPERTROPHIC MYOCARDIOPATHY. Identifiers: Orphanet 217569, MedGen C0007194, MeSH D002312, MONDO:0005045, HP:0001639.
Hypertrophic cardiomyopathy 11. Also called: ACTC1-Related Familial Hypertrophic Cardiomyopathy. Identifiers: MedGen C2677506, MONDO:0012799, OMIM 612098.
Dilated cardiomyopathy 1R (CMD1R). Identifiers: Orphanet 154, Orphanet 54260, MedGen C3150681, MONDO:0013261, OMIM 613424.
Atrial septal defect 5 (ASD5). Identifiers: Orphanet 1478, MedGen C2748552, MONDO:0013011, OMIM 612794.

Submissions (3):

Ambry Genetics
Classification: Uncertain significance for Cardiovascular phenotype. Last evaluated: 2025-07-09. Review status: criteria provided, single submitter. Criteria: Ambry Variant Classification Scheme 2023. Collection method: clinical testing. Allele origin: germline.
Comment: The c.556delG variant, located in coding exon 3 of the ACTC1 gene, results from a deletion of one nucleotide at nucleotide position 556, causing a translational frameshift with a predicted alternate stop codon (p.D186Tfs*7). This alteration is expected to result in protein truncation or nonsense-mediated mRNA decay. However, loss of function of ACTC1 has not been established as a mechanism of disease. Based on the available evidence, the clinical significance of this alteration remains unclear.

All of Us Research Program, National Institutes of Health
Classification: Uncertain significance for Hypertrophic cardiomyopathy. Last evaluated: 2024-07-20. Review status: criteria provided, single submitter. Criteria: ACMG Guidelines, 2015. Collection method: clinical testing. Allele origin: germline. Inheritance: Autosomal dominant inheritance. Observed: 1 variant allele, 1 heterozygote.
Comment: This variant deletes 1 nucleotide in exon 4 of the ACTC1 gene, creating a frameshift and premature translation stop signal. This variant is expected to result in an absent or non-functional protein product. This variant has been reported in an individual affected with Tetralogy of Fallot (PMID: 28991257). This variant has not been identified in the general population by the Genome Aggregation Database (gnomAD). Clinical relevance of loss-of-function ACTC1 truncation variants in autosomal dominant cardiovascular disorders is not clearly established. The available evidence is insufficient to determine the role of this variant in disease conclusively. Therefore, this variant is classified as a Variant of Uncertain Significance.

This study involves interpretation of variants in research participants for the purpose of population health screening. Participant phenotype was not available at the time of variant classification. Additional details can be found in publication PMID: 35346344, PMCID: PMC8962531

Labcorp Genetics (formerly Invitae), Labcorp
Classification: Uncertain significance for Dilated cardiomyopathy 1R; Hypertrophic cardiomyopathy 11; Atrial septal defect 5. Last evaluated: 2024-07-06. Review status: criteria provided, single submitter. Criteria: Invitae Variant Classification Sherloc (09022015). Collection method: clinical testing. Allele origin: germline.
Comment: This sequence change creates a premature translational stop signal (p.Asp186Thrfs*7) in the ACTC1 gene. It is expected to result in an absent or disrupted protein product. However, the current clinical and genetic evidence is not sufficient to establish whether loss-of-function variants in ACTC1 cause disease. This variant is not present in population databases (gnomAD no frequency). This variant has not been reported in the literature in individuals affected with ACTC1-related conditions. Experimental studies and prediction algorithms are not available or were not evaluated, and the functional significance of this variant is currently unknown. In summary, the available evidence is currently insufficient to determine the role of this variant in disease. Therefore, it has been classified as a Variant of Uncertain Significance.

Literature cited by the submitters: PubMed 28991257 (cited by All of Us Research Program, National Institutes of Health).

NM_005159.5(ACTC1):c.556del (p.Asp186fs)

Genes: ACTC1 (actin alpha cardiac muscle 1; minus strand), GJD2-DT (GJD2 divergent transcript; plus strand). Cytogenetic location: 15q14.
Variant type: Deletion.
Coding change: c.556del on transcript NM_005159.5 (MANE Select); coding-DNA position 556, one base deleted (G; older notation c.556delG).
Protein change: p.Asp186fs; shifts the reading frame from aspartic acid 186.
Molecular consequence: frameshift variant.
Genome position (GRCh38, 1-based): chr15:34,792,468, C deleted on the plus strand (G on the coding strand, the reverse complement: ACTC1 is on the minus strand); the first of 3 consecutive C bases (chr15:34,792,468-34,792,470); deleting any one gives the same sequence. VCF-style (leftmost placement, unchanged base first): chr15-34792467-TC-T. GRCh37 (hg19) VCF-style: chr15-35084668-TC-T.
Other names: c.556del, p.Asp186fs (NM_001406482.1, NM_001406483.1); c.421del, p.Asp141fs (NM_001406484.1); c.115del, p.Asp39fs (NM_001406485.1); c.556delG (NM_005159.4); short protein forms D141fs, D186fs, D39fs.
Identifiers: ClinVar variation 2932456 (VCV002932456.5), dbSNP rs2504180951, ClinGen allele CA2575670198.